The following is an entry in ClinVar:

NM_001370259.2(MEN1):c.1540C>T (p.Pro514Ser)

Gene: MEN1 (menin 1; minus strand). Cytogenetic location: 11q13.1.
Variant type: single nucleotide variant.
Coding change: c.1540C>T on transcript NM_001370259.2 (MANE Select); coding-DNA position 1540, C replaced by T.
Protein change: p.Pro514Ser; replaces proline 514 with serine.
Molecular consequence: missense variant.
Genome position (GRCh38, 1-based): chr11:64,804,627, G>A on the plus strand (C>T on the coding strand, the complement: MEN1 is on the minus strand). VCF-style: chr11-64804627-G-A. GRCh37 (hg19) VCF-style: chr11-64572099-G-A.
Other names: c.1666C>T, p.Pro556Ser (NM_001370251.2); c.1540C>T, p.Pro514Ser (NM_001370260.2, NM_001370261.2, NM_130799.3); c.1435C>T, p.Pro479Ser (NM_001370262.2, NM_001370263.2); c.1555C>T, p.Pro519Ser (NM_130800.3, NM_130801.3, NM_130802.3 and 3 more transcripts); short protein forms P514S, P519S, P556S, P479S.
Identifiers: ClinVar variation 567574 (VCV000567574.13), dbSNP rs150202288, ClinGen allele CA060754.

ClinVar aggregate classification (germline): Conflicting classifications of pathogenicity. Review status: criteria provided, conflicting classifications (1 of 4 stars). 3 submissions from 3 submitters: Uncertain significance (1); Likely benign (2). Last evaluated 2025-09-23.

Conditions:
Hereditary cancer-predisposing syndrome. Also called: Neoplastic Syndromes, Hereditary; Tumor predisposition; Hereditary Cancer Syndrome; Hereditary neoplastic syndrome. Identifiers: Orphanet 140162, MedGen C0027672, MeSH D009386, MONDO:0015356.
Multiple endocrine neoplasia, type 1 (MEN1). Also called: MEN I; WERMER SYNDROME; MEA I; Endocrine adenomatosis multiple; MEN 1. Identifiers: Orphanet 652, MedGen C0025267, MeSH D018761, MONDO:0007540, OMIM 131100.

Allele frequency attached by ClinVar (database versions not stated): TOPMed 0.00001; 1000 Genomes Project 30x 0.00016; 1000 Genomes Project 0.00020.

Submissions (3):

Labcorp Genetics (formerly Invitae), Labcorp
Classification: Likely benign for Multiple endocrine neoplasia, type 1. Last evaluated: 2025-09-23. Review status: criteria provided, single submitter. Criteria: Invitae Variant Classification Sherloc (09022015). Collection method: clinical testing. Allele origin: germline.

GeneDx
Classification: Uncertain significance. Last evaluated: 2024-09-22. Review status: criteria provided, single submitter. Criteria: GeneDx Variant Classification Process June 2021. Collection method: clinical testing. Allele origin: germline. Affected: yes.
Comment: Not observed at significant frequency in large population cohorts (gnomAD); In silico analysis indicates that this missense variant does not alter protein structure/function; Has not been previously published as pathogenic or benign to our knowledge; This variant is associated with the following publications: (PMID: Ganakammal2020[article])

Ambry Genetics
Classification: Likely benign for Hereditary cancer-predisposing syndrome. Last evaluated: 2022-08-22. Review status: criteria provided, single submitter. Criteria: Ambry Variant Classification Scheme 2023. Collection method: clinical testing. Allele origin: germline.